The following is an entry in ClinVar:

NM_003052.5(SLC34A1):c.464T>C (p.Leu155Pro)

Gene: SLC34A1 (solute carrier family 34 member 1; plus strand). Cytogenetic location: 5q35.3.
Variant type: single nucleotide variant.
Coding change: c.464T>C on transcript NM_003052.5 (MANE Select); coding-DNA position 464, T replaced by C.
Protein change: p.Leu155Pro; replaces leucine 155 with proline.
Molecular consequence: missense variant.
Genome position (GRCh38, 1-based): chr5:177,386,498, T>C. VCF-style: chr5-177386498-T-C. GRCh37 (hg19) VCF-style: chr5-176813499-T-C.
Other names: c.464T>C, p.Leu155Pro (NM_001167579.2); short protein forms L155P.
Identifiers: ClinVar variation 871931 (VCV000871931.47), dbSNP rs369770760, ClinGen allele CA3580397.

ClinVar aggregate classification (germline): Conflicting classifications of pathogenicity. Review status: criteria provided, conflicting classifications (1 of 4 stars). 3 submissions from 3 submitters: Pathogenic (1); Likely pathogenic (1); Uncertain significance (1). Last evaluated 2024-10-03.

Conditions:
SLC34A1-related disorder. Also called: SLC34A1-related condition; SLC34A1-related disorders.

Allele frequency attached by ClinVar (database versions not stated): ExAC 0.00002; gnomAD exomes 0.00002; TOPMed 0.00002; gnomAD 0.00005 and 0.00006; ESP Exome Variant Server 0.00008.
gnomAD v4.1: 37 of 1,614,082 alleles (0.0023%); highest among the groups gnomAD compares: Non-Finnish European, 0.003%; no homozygotes.

Submissions (3):

Blueprint Genetics
Classification: Likely pathogenic for SLC34A1-related disorders. Last evaluated: 2024-10-03. Review status: criteria provided, single submitter. Criteria: ACMG Guidelines, 2015. Collection method: clinical testing. Allele origin: germline. Affected: yes. Observed: 5 variant alleles.

Labcorp Genetics (formerly Invitae), Labcorp
Classification: Uncertain significance. Last evaluated: 2023-12-07. Review status: criteria provided, single submitter. Criteria: Invitae Variant Classification Sherloc (09022015). Collection method: clinical testing. Allele origin: germline.
Comment: This sequence change replaces leucine, which is neutral and non-polar, with proline, which is neutral and non-polar, at codon 155 of the SLC34A1 protein (p.Leu155Pro). This variant is present in population databases (rs369770760, gnomAD 0.008%). This missense change has been observed in individual(s) with infantile hypercalcemia (PMID: 26047794, 28470390, 33099630). ClinVar contains an entry for this variant (Variation ID: 871931). Advanced modeling of protein sequence and biophysical properties (such as structural, functional, and spatial information, amino acid conservation, physicochemical variation, residue mobility, and thermodynamic stability) performed at Invitae indicates that this missense variant is expected to disrupt SLC34A1 protein function with a positive predictive value of 80%. Experimental studies have shown that this missense change affects SLC34A1 function (PMID: 26047794). In summary, the available evidence is currently insufficient to determine the role of this variant in disease. Therefore, it has been classified as a Variant of Uncertain Significance.

CeGaT Center for Human Genetics Tuebingen
Classification: Pathogenic. Last evaluated: 2017-12-01. Review status: criteria provided, single submitter. Criteria: CeGaT Center For Human Genetics Tuebingen Variant Classification Criteria Version 2. Collection method: clinical testing. Allele origin: germline. Affected: yes. Observed: 1 variant allele.

Literature cited by the submitters: PubMed 26047794 (cited by Labcorp Genetics (formerly Invitae), Labcorp); PubMed 28470390 (cited by Labcorp Genetics (formerly Invitae), Labcorp); PubMed 33099630 (cited by Labcorp Genetics (formerly Invitae), Labcorp).